The following is an entry in ClinVar:

ClinVar aggregate classification (germline): Conflicting classifications of pathogenicity. Review status: criteria provided, conflicting classifications (1 of 4 stars). 3 submissions from 3 submitters: Uncertain significance (1); Likely benign (2). Last evaluated 2025-12-16.

Conditions:
Hereditary cancer-predisposing syndrome. Also called: Tumor predisposition; Neoplastic Syndromes, Hereditary; Hereditary Cancer Syndrome; Hereditary neoplastic syndrome. Identifiers: Orphanet 140162, MedGen C0027672, MeSH D009386, MONDO:0015356.
Multiple endocrine neoplasia type 4. Also called: MULTIPLE ENDOCRINE NEOPLASIA, TYPE IV. Identifiers: Orphanet 276152, MedGen C1970712, MONDO:0012552, OMIM 610755.

Allele frequency attached by ClinVar (database versions not stated): gnomAD exomes below 0.00001; ExAC 0.00001; gnomAD 0.00001 and 0.00002; TOPMed 0.00002; 1000 Genomes Project 30x 0.00016; 1000 Genomes Project 0.00020.

Submissions (3):

Labcorp Genetics (formerly Invitae), Labcorp
Classification: Likely benign for Multiple endocrine neoplasia type 4. Last evaluated: 2025-12-16. Review status: criteria provided, single submitter. Criteria: Invitae Variant Classification Sherloc (09022015). Collection method: clinical testing. Allele origin: germline.

GeneDx
Classification: Uncertain significance. Last evaluated: 2023-03-15. Review status: criteria provided, single submitter. Criteria: GeneDx Variant Classification Process June 2021. Collection method: clinical testing. Allele origin: germline. Affected: yes.
Comment: Not observed at significant frequency in large population cohorts (gnomAD); In silico analysis supports that this variant does not alter splicing; Has not been previously published as pathogenic or benign to our knowledge

Ambry Genetics
Classification: Likely benign for Hereditary cancer-predisposing syndrome. Last evaluated: 2020-01-03. Review status: criteria provided, single submitter. Criteria: Ambry Variant Classification Scheme 2023. Collection method: clinical testing. Allele origin: germline.

NM_004064.5(CDKN1B):c.267C>T (p.Tyr89=)

Gene: CDKN1B (cyclin dependent kinase inhibitor 1B; plus strand). Cytogenetic location: 12p13.1.
Variant type: single nucleotide variant.
Coding change: c.267C>T on transcript NM_004064.5 (MANE Select); coding-DNA position 267, C replaced by T.
Protein change: p.Tyr89=; no amino-acid change (tyrosine 89 retained).
Molecular consequence: synonymous variant.
Genome position (GRCh38, 1-based): chr12:12,718,106, C>T. VCF-style: chr12-12718106-C-T. GRCh37 (hg19) VCF-style: chr12-12871040-C-T.
Identifiers: ClinVar variation 412890 (VCV000412890.15), dbSNP rs532903617, ClinGen allele CA6457432.
Genomic context (GRCh38, chr12:12,718,106, plus strand): 5'-CCTAGAGGGCAAGTACGAGTGGCAAGAGGTGGAGAAGGGCAGCTTGCCCGAGTTCTACTA[C>T]AGACCCCCGCGGCCCCCCAAAGGTGCCTGCAAGGTGCCGGCGCAGGAGAGCCAGGATGTC-3'
Protein context (NP_004055.1, residues 79-99): VEKGSLPEFY[Tyr89=]RPPRPPKGAC